The following is an entry in ClinVar:

NM_015978.3(TNNI3K):c.202C>G (p.Leu68Val)

Genes: FPGT-TNNI3K (FPGT-TNNI3K readthrough; plus strand), TNNI3K (TNNI3 interacting kinase; plus strand). Cytogenetic location: 1p31.1.
Variant type: single nucleotide variant.
Coding change: c.202C>G on transcript NM_015978.3 (MANE Select); coding-DNA position 202, C replaced by G.
Protein change: p.Leu68Val; replaces leucine 68 with valine.
Molecular consequence: missense variant.
Genome position (GRCh38, 1-based): chr1:74,249,511, C>G. VCF-style: chr1-74249511-C-G. GRCh37 (hg19) VCF-style: chr1-74715195-C-G.
Other names: c.505C>G, p.Leu169Val (NM_001112808.3, NM_001199327.2); short protein forms L68V, L169V.
Identifiers: ClinVar variation 4775332 (VCV004775332.1).

ClinVar aggregate classification (germline): Uncertain significance (1 of 4 stars; one submission).

Submission:

Labcorp Genetics (formerly Invitae), Labcorp
Classification: Uncertain significance. Last evaluated: 2025-06-07. Review status: criteria provided, single submitter. Criteria: Invitae Variant Classification Sherloc (09022015). Collection method: clinical testing. Allele origin: germline.
Comment: This sequence change replaces leucine, which is neutral and non-polar, with valine, which is neutral and non-polar, at codon 68 of the TNNI3K protein (p.Leu68Val). This variant is not present in population databases (gnomAD no frequency). This variant has not been reported in the literature in individuals affected with TNNI3K-related conditions. Invitae Evidence Modeling of protein sequence and biophysical properties (such as structural, functional, and spatial information, amino acid conservation, physicochemical variation, residue mobility, and thermodynamic stability) indicates that this missense variant is not expected to disrupt TNNI3K protein function with a negative predictive value of 80%. In summary, the available evidence is currently insufficient to determine the role of this variant in disease. Therefore, it has been classified as a Variant of Uncertain Significance.